The following is an entry in ClinVar:

ClinVar aggregate classification (germline): Uncertain significance (1 of 4 stars; one submission).

Conditions:
Myopathy, proximal, and ophthalmoplegia (CMYO6). Also called: INCLUSION BODY MYOPATHY 3, AUTOSOMAL DOMINANT; MYOPATHY WITH CONGENITAL JOINT CONTRACTURES, OPHTHALMOPLEGIA, AND RIMMED VACUOLES; CONGENITAL MYOPATHY 6 WITH OPHTHALMOPLEGIA. Identifiers: Orphanet 363677, Orphanet 79091, MedGen C1854106, MONDO:0011577, OMIM 605637.

Submission:

Labcorp Genetics (formerly Invitae), Labcorp
Classification: Uncertain significance for Myopathy, proximal, and ophthalmoplegia. Last evaluated: 2024-07-31. Review status: criteria provided, single submitter. Criteria: Invitae Variant Classification Sherloc (09022015). Collection method: clinical testing. Allele origin: germline.
Comment: This sequence change replaces glutamine, which is neutral and polar, with histidine, which is basic and polar, at codon 1166 of the MYH2 protein (p.Gln1166His). This variant is not present in population databases (gnomAD no frequency). This variant has not been reported in the literature in individuals affected with MYH2-related conditions. ClinVar contains an entry for this variant (Variation ID: 1021377). Advanced modeling of protein sequence and biophysical properties (such as structural, functional, and spatial information, amino acid conservation, physicochemical variation, residue mobility, and thermodynamic stability) performed at Invitae indicates that this missense variant is not expected to disrupt MYH2 protein function with a negative predictive value of 80%. In summary, the available evidence is currently insufficient to determine the role of this variant in disease. Therefore, it has been classified as a Variant of Uncertain Significance.

NM_017534.6(MYH2):c.3498G>T (p.Gln1166His)

Genes: MYH2 (myosin heavy chain 2; minus strand), MYHAS (myosin heavy chain gene cluster antisense RNA; plus strand). Cytogenetic location: 17p13.1.
Variant type: single nucleotide variant.
Coding change: c.3498G>T on transcript NM_017534.6 (MANE Select); coding-DNA position 3498, G replaced by T.
Protein change: p.Gln1166His; replaces glutamine 1166 with histidine.
Molecular consequence: missense variant.
Genome position (GRCh38, 1-based): chr17:10,528,936, C>A on the plus strand (G>T on the coding strand, the complement: MYH2 is on the minus strand). VCF-style: chr17-10528936-C-A. GRCh37 (hg19) VCF-style: chr17-10432253-C-A.
Other names: c.3498G>T, p.Gln1166His (NM_001100112.2); short protein forms Q1166H.
Identifiers: ClinVar variation 1021377 (VCV001021377.5), dbSNP rs2073388994, ClinGen allele CA398133966.